The following is an entry in ClinVar:

NM_001458.5(FLNC):c.4180A>G (p.Lys1394Glu)

Gene: FLNC (filamin C; plus strand). Cytogenetic location: 7q32.1.
Variant type: single nucleotide variant.
Coding change: c.4180A>G on transcript NM_001458.5 (MANE Select); coding-DNA position 4180, A replaced by G.
Protein change: p.Lys1394Glu; replaces lysine 1394 with glutamic acid.
Molecular consequence: missense variant.
Genome position (GRCh38, 1-based): chr7:128,846,797, A>G. VCF-style: chr7-128846797-A-G. GRCh37 (hg19) VCF-style: chr7-128486851-A-G.
Other names: p.Lys1394Glu; c.4180A>G, p.Lys1394Glu (NM_001127487.2); short protein forms K1394E.
Identifiers: ClinVar variation 1506433 (VCV001506433.15), dbSNP rs1430761286, ClinGen allele CA369200530.
Genomic context (GRCh38, chr7:128,846,797, plus strand): 5'-TCTCTCAGGGGAGCGGGCACCGGGGGCCTTGGCCTAGCCATCGAGGGTCCCTCGGAAGCC[A>G]AGATGTCCTGCAAGGACAACAAGGATGGTAGCTGCACCGTGGAGTACATCCCCTTCACTC-3'
Protein context (NP_001449.3, residues 1384-1404): GLAIEGPSEA[Lys1394Glu]MSCKDNKDGS

ClinVar aggregate classification (germline): Uncertain significance. Review status: criteria provided, multiple submitters, no conflicts (2 of 4 stars). 5 submissions from 5 submitters: Uncertain significance (5). Last evaluated 2026-01-05.

Conditions:
Cardiovascular phenotype. Identifiers: MedGen CN230736.
FLNC-related disorder. Also called: FLNC-related condition; FLNC-related disorders.
Hypertrophic cardiomyopathy 26. Also called: Cardiomyopathy, familial hypertrophic, 26. Identifiers: Orphanet 75249, MedGen C4310749, MONDO:0014883, OMIM 617047.
Distal myopathy with posterior leg and anterior hand involvement. Also called: WILLIAMS DISTAL MYOPATHY. Identifiers: Orphanet 63273, MedGen C3279722, MONDO:0013550, OMIM 614065.
Myofibrillar myopathy 5. Also called: Filaminopathy (type); FILAMINOPATHY, AUTOSOMAL DOMINANT. Identifiers: Orphanet 171445, MedGen C1836050, MONDO:0012289, OMIM 609524.

Allele frequency attached by ClinVar (database versions not stated): gnomAD exomes below 0.00001 and 0.00002; gnomAD 0.00001; TOPMed 0.00002.
gnomAD v4.1: 24 of 1,614,080 alleles (0.0015%); highest among the groups gnomAD compares: Non-Finnish European, 0.002%; no homozygotes.

Submissions (5):

PreventionGenetics, part of Exact Sciences
Classification: Uncertain significance for FLNC-related condition. Last evaluated: 2026-01-05. Review status: criteria provided, single submitter. Criteria: ACMG Guidelines, 2015. Collection method: clinical testing. Allele origin: germline.
Comment: The FLNC c.4180A>G variant is predicted to result in the amino acid substitution p.Lys1394Glu. To our knowledge, this variant has not been reported in the literature. This variant is reported in 0.00088% of alleles in individuals of European (Non-Finnish) descent in gnomAD. At this time, the clinical significance of this variant is uncertain due to the absence of conclusive functional and genetic evidence.

Labcorp Genetics (formerly Invitae), Labcorp
Classification: Uncertain significance for Distal myopathy with posterior leg and anterior hand involvement; Myofibrillar myopathy 5; Hypertrophic cardiomyopathy 26. Last evaluated: 2024-12-30. Review status: criteria provided, single submitter. Criteria: Invitae Variant Classification Sherloc (09022015). Collection method: clinical testing. Allele origin: germline.
Comment: This sequence change replaces lysine, which is basic and polar, with glutamic acid, which is acidic and polar, at codon 1394 of the FLNC protein (p.Lys1394Glu). This variant is present in population databases (no rsID available, gnomAD 0.0009%). This variant has not been reported in the literature in individuals affected with FLNC-related conditions. ClinVar contains an entry for this variant (Variation ID: 1506433). Invitae Evidence Modeling of protein sequence and biophysical properties (such as structural, functional, and spatial information, amino acid conservation, physicochemical variation, residue mobility, and thermodynamic stability) has been performed for this missense variant. However, the output from this modeling did not meet the statistical confidence thresholds required to predict the impact of this variant on FLNC protein function. In summary, the available evidence is currently insufficient to determine the role of this variant in disease. Therefore, it has been classified as a Variant of Uncertain Significance.

Ambry Genetics
Classification: Uncertain significance for Cardiovascular phenotype. Last evaluated: 2024-12-21. Review status: criteria provided, single submitter. Criteria: Ambry Variant Classification Scheme 2023. Collection method: clinical testing. Allele origin: germline.
Comment: The p.K1394E variant (also known as c.4180A>G), located in coding exon 24 of the FLNC gene, results from an A to G substitution at nucleotide position 4180. The lysine at codon 1394 is replaced by glutamic acid, an amino acid with similar properties. This amino acid position is highly conserved in available vertebrate species. In addition, this alteration is predicted to be deleterious by in silico analysis. Since supporting evidence is limited at this time, the clinical significance of this alteration remains unclear.

Mayo Clinic Laboratories, Mayo Clinic
Classification: Uncertain significance. Last evaluated: 2024-08-02. Review status: criteria provided, single submitter. Criteria: ACMG Guidelines, 2015. Collection method: clinical testing. Allele origin: germline. Observed: 1 variant allele.
Comment: PP3

Revvity Omics, Revvity
Classification: Uncertain significance. Last evaluated: 2019-08-17. Review status: criteria provided, single submitter. Criteria: ACMG Guidelines, 2015. Collection method: clinical testing. Allele origin: germline.